The following is an entry in ClinVar:

NM_002471.4(MYH6):c.4140C>A (p.Asp1380Glu)

Gene: MYH6 (myosin heavy chain 6; minus strand). Cytogenetic location: 14q11.2.
Variant type: single nucleotide variant.
Coding change: c.4140C>A on transcript NM_002471.4 (MANE Select); coding-DNA position 4140, C replaced by A.
Protein change: p.Asp1380Glu; replaces aspartic acid 1380 with glutamic acid.
Molecular consequence: missense variant.
Genome position (GRCh38, 1-based): chr14:23,388,894, G>T on the plus strand (C>A on the coding strand, the complement: MYH6 is on the minus strand). VCF-style: chr14-23388894-G-T. GRCh37 (hg19) VCF-style: chr14-23858103-G-T.
Other names: short protein forms D1380E.
Identifiers: ClinVar variation 444323 (VCV000444323.48), dbSNP rs199672166, ClinGen allele CA7114920.

ClinVar aggregate classification (germline): Uncertain significance. Review status: criteria provided, multiple submitters, no conflicts (2 of 4 stars). 3 submissions from 3 submitters: Uncertain significance (3). Last evaluated 2025-02-02.

Conditions:
Cardiovascular phenotype. Identifiers: MedGen CN230736.
Hypertrophic cardiomyopathy 14. Identifiers: MedGen C2750467, MONDO:0013197, OMIM 613251.

Allele frequency attached by ClinVar (database versions not stated): TOPMed 0.00002.
gnomAD v4.1: 5 of 1,613,648 alleles (0.00031%); highest among the groups gnomAD compares: Non-Finnish European, 0.00042%; no homozygotes.

Submissions (3):

Labcorp Genetics (formerly Invitae), Labcorp
Classification: Uncertain significance for Hypertrophic cardiomyopathy 14. Last evaluated: 2025-02-02. Review status: criteria provided, single submitter. Criteria: Invitae Variant Classification Sherloc (09022015). Collection method: clinical testing. Allele origin: germline.
Comment: This sequence change replaces aspartic acid, which is acidic and polar, with glutamic acid, which is acidic and polar, at codon 1380 of the MYH6 protein (p.Asp1380Glu). This variant is present in population databases (rs199672166, gnomAD 0.002%). This variant has not been reported in the literature in individuals affected with MYH6-related conditions. ClinVar contains an entry for this variant (Variation ID: 444323). Invitae Evidence Modeling of protein sequence and biophysical properties (such as structural, functional, and spatial information, amino acid conservation, physicochemical variation, residue mobility, and thermodynamic stability) indicates that this missense variant is not expected to disrupt MYH6 protein function with a negative predictive value of 80%. In summary, the available evidence is currently insufficient to determine the role of this variant in disease. Therefore, it has been classified as a Variant of Uncertain Significance.

Ambry Genetics
Classification: Uncertain significance for Cardiovascular phenotype. Last evaluated: 2024-04-07. Review status: criteria provided, single submitter. Criteria: Ambry Variant Classification Scheme 2023. Collection method: clinical testing. Allele origin: germline.
Comment: The p.D1380E variant (also known as c.4140C>A), located in coding exon 27 of the MYH6 gene, results from a C to A substitution at nucleotide position 4140. The aspartic acid at codon 1380 is replaced by glutamic acid, an amino acid with highly similar properties. This amino acid position is highly conserved in available vertebrate species. In addition, this alteration is predicted to be tolerated by in silico analysis. Since supporting evidence is limited at this time, the clinical significance of this alteration remains unclear.

CeGaT Center for Human Genetics Tuebingen
Classification: Uncertain significance. Last evaluated: 2017-05-01. Review status: criteria provided, single submitter. Criteria: CeGaT Center For Human Genetics Tuebingen Variant Classification Criteria Version 2. Collection method: clinical testing. Allele origin: germline. Affected: yes. Observed: 1 variant allele.